The following is an entry in ClinVar:

ClinVar aggregate classification (germline): Conflicting classifications of pathogenicity. Review status: criteria provided, conflicting classifications (1 of 4 stars). 2 submissions from 2 submitters: Likely pathogenic (1); Uncertain significance (1). Last evaluated 2025-12-14.

Conditions:
Charcot-Marie-Tooth disease type 2. Also called: Charcot-Marie-Tooth type 2. Identifiers: Orphanet 64746, MedGen C0270914, MONDO:0018993.

Submissions (2):

Labcorp Genetics (formerly Invitae), Labcorp
Classification: Likely pathogenic for Charcot-Marie-Tooth disease type 2. Last evaluated: 2025-12-14. Review status: criteria provided, single submitter. Criteria: Invitae Variant Classification Sherloc (09022015). Collection method: clinical testing. Allele origin: germline.
Comment: This sequence change replaces glutamic acid, which is acidic and polar, with glutamine, which is neutral and polar, at codon 361 of the LMNA protein (p.Glu361Gln). This variant is not present in population databases (gnomAD no frequency). This missense change has been observed in individual(s) with clinical features of arrhythmogenic cardiomyopathy (internal data). ClinVar contains an entry for this variant (Variation ID: 245948). Invitae Evidence Modeling of protein sequence and biophysical properties (such as structural, functional, and spatial information, amino acid conservation, physicochemical variation, residue mobility, and thermodynamic stability) indicates that this missense variant is expected to disrupt LMNA protein function with a positive predictive value of 95%. This variant disrupts the p.Glu361 amino acid residue in LMNA. Other variant(s) that disrupt this residue have been determined to be pathogenic (PMID: 16218190, 20848652; internal data). This suggests that this residue is clinically significant, and that variants that disrupt this residue are likely to be disease-causing. In summary, the currently available evidence indicates that the variant is pathogenic, but additional data are needed to prove that conclusively. Therefore, this variant has been classified as Likely Pathogenic.

GeneDx
Classification: Uncertain significance. Last evaluated: 2015-09-18. Review status: criteria provided, single submitter. Criteria: GeneDx Variant Classification (06012015). Collection method: clinical testing. Allele origin: germline. Affected: yes.
Comment: The E361Q variant has not been published as a pathogenic variant, nor has it been reported as a benign variant to our knowledge. However, a different missense variant at the same residue (E361K) has been reported in the literature. The E361Q variant was not observed in approximately 6,500 individuals of European and African American ancestry in the NHLBI Exome Sequencing Project, indicating it is not a common benign variant in these populations. The E361Q variant is a semi-conservative amino acid substitution, which may impact secondary protein structure as these residues differ in some properties. This substitution occurs at a position where only amino acids with similar properties to Glutamic acid are tolerated across species. In addition, missense variants in nearby residues (Q353R, D357H, D357A, E358K, M371K) have been reported in the Human Gene Mutation Database in association with LMNA-related disorders (Stenson et al., 2014), further supporting the functional importance of this region of the protein. However, in silico analysis is inconsistent in its predictions as to whether or not the variant is damaging to the protein structure/function.

Literature cited by the submitters: PubMed 16218190 (cited by Labcorp Genetics (formerly Invitae), Labcorp); PubMed 20848652 (cited by Labcorp Genetics (formerly Invitae), Labcorp).

NM_170707.4(LMNA):c.1081G>C (p.Glu361Gln)

Gene: LMNA (lamin A/C; plus strand). Cytogenetic location: 1q22.
Variant type: single nucleotide variant.
Coding change: c.1081G>C on transcript NM_170707.4 (MANE Select); coding-DNA position 1081, G replaced by C.
Protein change: p.Glu361Gln; replaces glutamic acid 361 with glutamine.
Molecular consequence: missense variant.
Genome position (GRCh38, 1-based): chr1:156,136,045, G>C. VCF-style: chr1-156136045-G-C. GRCh37 (hg19) VCF-style: chr1-156105836-G-C.
Other names: c.745G>C, p.Glu249Gln (NM_001257374.3); c.838G>C, p.Glu280Gln (NM_001282624.2); c.1081G>C, p.Glu361Gln (NM_001282625.2, NM_001282626.2, NM_005572.4 and 1 more transcripts); short protein forms E361Q, E280Q, E249Q.
Identifiers: ClinVar variation 245948 (VCV000245948.9), dbSNP rs267607634, ClinGen allele CA10584125.